The following is an entry in ClinVar:

ClinVar aggregate classification (germline): Uncertain significance (1 of 4 stars; one submission).

Conditions:
Inborn genetic diseases. Identifiers: MedGen C0950123, MeSH D030342.

gnomAD v4.1: 2 of 1,577,936 alleles (0.00013%); highest among the groups gnomAD compares: Non-Finnish European, 0.00017%; no homozygotes.

Submission:

Ambry Genetics
Classification: Uncertain significance for Inborn genetic diseases. Last evaluated: 2026-08-18. Review status: criteria provided, single submitter. Criteria: Ambry Variant Classification Scheme 2023. Collection method: clinical testing. Allele origin: germline.
Comment: The c.111G>C (p.E37D) alteration is located in exon 2 (coding exon 2) of the BCL11B gene. This alteration results from a G to C substitution at nucleotide position 111, causing the glutamic acid (E) at amino acid position 37 to be replaced by an aspartic acid (D). Based on data from gnomAD, the C allele has an overall frequency of 0.003% (1/31404) total alleles studied. The highest observed frequency was 0.007% (1/15432) of European (non-Finnish) alleles. Based on insufficient or conflicting evidence, the clinical significance of this alteration remains unclear.

NM_138576.4(BCL11B):c.111G>C (p.Glu37Asp)

Gene: BCL11B (BCL11 transcription factor B; minus strand). Cytogenetic location: 14q32.2.
Variant type: single nucleotide variant.
Coding change: c.111G>C on transcript NM_138576.4 (MANE Select); coding-DNA position 111, G replaced by C.
Protein change: p.Glu37Asp; replaces glutamic acid 37 with aspartic acid.
Molecular consequence: missense variant.
Genome position (GRCh38, 1-based): chr14:99,257,787, C>G on the plus strand (G>C on the coding strand, the complement: BCL11B is on the minus strand). VCF-style: chr14-99257787-C-G. GRCh37 (hg19) VCF-style: chr14-99724124-C-G.
Other names: c.108G>C, p.Glu36Asp (NM_001282237.2, NM_001282238.2); c.111G>C, p.Glu37Asp (NM_022898.3); short protein forms E36D, E37D.
Identifiers: ClinVar variation 5032835 (VCV005032835.1).